The following is an entry in ClinVar:

NM_012330.4(KAT6B):c.3255AGA[3] (p.Glu1089_Asp1090insGlu)

Gene: KAT6B (lysine acetyltransferase 6B; plus strand). Cytogenetic location: 10q22.2.
Variant type: Microsatellite.
Coding change: c.3255AGA[3] on transcript NM_012330.4 (MANE Select); three copies in a row of the 3-base unit AGA starting at c.3255; the reference has two copies in a row; one copy, 3 bases duplicated.
Protein change: p.Glu1089_Asp1090insGlu.
Molecular consequence: inframe insertion.
Genome position (GRCh38, 1-based): chr10:75,022,117-75,022,119, AGA duplicated; duplicating any 3 consecutive bases within chr10:75,022,112-75,022,119 gives the same sequence; the position shown is the placement nearest the transcript's 3' end. VCF-style (leftmost placement, unchanged base first): chr10-75022111-G-GGAA. GRCh37 (hg19) VCF-style: chr10-76781869-G-GGAA.
Other names: c.2706AGA[3], p.Glu906_Asp907insGlu (NM_001256468.2, NM_001370138.1); c.2379AGA[3], p.Glu797_Asp798insGlu (NM_001256469.2, NM_001370139.1, NM_001370140.1 and 2 more transcripts); c.2217AGA[3], p.Glu743_Asp744insGlu (NM_001370132.1); c.1566AGA[3], p.Glu526_Asp527insGlu (NM_001370133.1); c.1170AGA[3], p.Glu394_Asp395insGlu (NM_001370134.1); c.912AGA[3], p.Glu308_Asp309insGlu (NM_001370135.1); c.3255AGA[3], p.Glu1089_Asp1090insGlu (NM_001370136.1, NM_001370137.1); c.2190AGA[3], p.Glu734_Asp735insGlu (NM_001370143.1, NM_001370144.1).
Identifiers: ClinVar variation 2431885 (VCV002431885.1), dbSNP rs1564626318, ClinGen allele CA2580615515.

ClinVar aggregate classification (germline): Uncertain significance (1 of 4 stars; one submission).

Conditions:
Genitopatellar syndrome (GTPTS). Also called: Genitopatellar syndrome (GPS); ABSENT PATELLAE, SCROTAL HYPOPLASIA, RENAL ANOMALIES, FACIAL DYSMORPHISM, AND MENTAL RETARDATION. Identifiers: Orphanet 85201, MedGen C1853566, MONDO:0011640, OMIM 606170.

Submission:

Laboratorio de Genetica e Diagnostico Molecular, Hospital Israelita Albert Einstein
Classification: Uncertain significance for Genitopatellar syndrome. Last evaluated: 2023-01-27. Review status: criteria provided, single submitter. Criteria: ACMG Guidelines, 2015. Collection method: clinical testing. Allele origin: germline. Affected: yes. Observed: 1 variant allele.
Comment: ACMG classification criteria: PM2 moderated